The following is an entry in ClinVar:

NM_201384.3(PLEC):c.11139G>A (p.Gly3713=)

Gene: PLEC (plectin; minus strand). Cytogenetic location: 8q24.3.
Variant type: single nucleotide variant.
Coding change: c.11139G>A on transcript NM_201384.3 (MANE Select); coding-DNA position 11139, G replaced by A.
Protein change: p.Gly3713=; no amino-acid change (glycine 3713 retained).
Molecular consequence: synonymous variant.
Genome position (GRCh38, 1-based): chr8:143,918,682, C>T on the plus strand (G>A on the coding strand, the complement: PLEC is on the minus strand). VCF-style: chr8-143918682-C-T. GRCh37 (hg19) VCF-style: chr8-144992850-C-T.
Other names: c.11220G>A, p.Gly3740= (NM_000445.5); c.11097G>A, p.Gly3699= (NM_201378.4); c.11073G>A, p.Gly3691= (NM_201379.3); c.11550G>A, p.Gly3850= (NM_201380.4); c.11043G>A, p.Gly3681= (NM_201381.3); c.11139G>A, p.Gly3713= (NM_201382.4); c.11151G>A, p.Gly3717= (NM_201383.3); c.11220G>A (NM_000445.4).
Identifiers: ClinVar variation 596070 (VCV000596070.6), dbSNP rs1554675949, ClinGen allele CA463528391.

ClinVar aggregate classification (germline): Conflicting classifications of pathogenicity. Review status: criteria provided, conflicting classifications (1 of 4 stars). 2 submissions from 2 submitters: Uncertain significance (1); Likely benign (1). Last evaluated 2026-05-28.

Conditions:
PLEC-related disorder. Also called: PLEC-related disorders; PLEC-related condition.

Allele frequency attached by ClinVar (database versions not stated): TOPMed below 0.00001; gnomAD exomes 0.00001.
gnomAD v4.1: 3 of 1,612,930 alleles (0.00019%); highest among the groups gnomAD compares: Admixed American, 0.005%; no homozygotes.

Submissions (2):

PreventionGenetics, part of Exact Sciences
Classification: Likely benign for PLEC-related condition. Last evaluated: 2026-05-28. Review status: criteria provided, single submitter. Criteria: ACMG Guidelines, 2015. Collection method: clinical testing. Allele origin: germline.
Comment: This variant is classified as likely benign based on ACMG/AMP sequence variant interpretation guidelines (Richards et al. 2015 PMID: 25741868, with internal and published modifications).

Eurofins Ntd Llc (ga)
Classification: Uncertain significance. Last evaluated: 2018-02-14. Review status: criteria provided, single submitter. Criteria: EGL ClinVar v180209 classification definitions. Collection method: clinical testing. Allele origin: germline. Observed: 1 variant allele, 1 heterozygote.